The following is an entry in ClinVar:

ClinVar aggregate classification (germline): Uncertain significance (1 of 4 stars; one submission).

Conditions:
Ataxia-telangiectasia syndrome (AT). Also called: Cerebello-oculocutaneous telangiectasia; Immunodeficiency with ataxia telangiectasia; AT, COMPLEMENTATION GROUP C; Ataxia-telangiectasia, complementation group E; LOUIS-BAR SYNDROME; ATAXIA-TELANGIECTASIA, COMPLEMENTATION GROUP A. Identifiers: Orphanet 100, MedGen C0004135, MONDO:0008840, OMIM 208900.

Submission:

Labcorp Genetics (formerly Invitae), Labcorp
Classification: Uncertain significance for Ataxia-telangiectasia syndrome. Last evaluated: 2021-02-14. Review status: criteria provided, single submitter. Criteria: Invitae Variant Classification Sherloc (09022015). Collection method: clinical testing. Allele origin: germline.
Comment: This variant has not been reported in the literature in individuals with ATM-related conditions. Algorithms developed to predict the effect of missense changes on protein structure and function (SIFT, PolyPhen-2, Align-GVGD) all suggest that this variant is likely to be disruptive, but these predictions have not been confirmed by published functional studies and their clinical significance is uncertain. In summary, the available evidence is currently insufficient to determine the role of this variant in disease. Therefore, it has been classified as a Variant of Uncertain Significance. This variant is not present in population databases (ExAC no frequency). This sequence change replaces leucine with glutamine at codon 145 of the ATM protein (p.Leu145Gln). The leucine residue is highly conserved and there is a moderate physicochemical difference between leucine and glutamine.

NM_000051.4(ATM):c.434T>A (p.Leu145Gln)

Gene: ATM (ATM serine/threonine kinase; plus strand). Cytogenetic location: 11q22.3.
Variant type: single nucleotide variant.
Coding change: c.434T>A on transcript NM_000051.4 (MANE Select); coding-DNA position 434, T replaced by A.
Protein change: p.Leu145Gln; replaces leucine 145 with glutamine.
Molecular consequence: missense variant.
Genome position (GRCh38, 1-based): chr11:108,235,772, T>A. VCF-style: chr11-108235772-T-A. GRCh37 (hg19) VCF-style: chr11-108106499-T-A.
Other names: c.434T>A, p.Leu145Gln (NM_001351834.2); short protein forms L145Q.
Identifiers: ClinVar variation 1372138 (VCV001372138.8), dbSNP rs1555059346, ClinGen allele CA382525213.
Genomic context (GRCh38, chr11:108,235,772, plus strand): 5'-TGGATACAGTGAAAGATTCATCTAATGGTGCTATTTACGGAGCTGATTGTAGCAACATAC[T>A]ACTCAAAGACATTCTTTCTGTGAGAAAATACTGGTGTGAAATATCTCAGCAACAGTGGTT-3'
Protein context (NP_000042.3, residues 135-155): AIYGADCSNI[Leu145Gln]LKDILSVRKY